The following is an entry in ClinVar:

ClinVar aggregate classification (germline): Likely benign. Review status: criteria provided, multiple submitters, no conflicts (2 of 4 stars). 2 submissions from 2 submitters: Likely benign (2). Last evaluated 2023-05-04.

Allele frequency attached by ClinVar (database versions not stated): ExAC 0.00015; gnomAD exomes 0.00015; ESP Exome Variant Server 0.00038; gnomAD 0.00038 and 0.00040; TOPMed 0.00038; 1000 Genomes Project 0.00040; 1000 Genomes Project 30x 0.00047.
gnomAD v4.1: 226 of 1,606,884 alleles (0.014%); highest among the groups gnomAD compares: African/African-American, 0.13%; 1 homozygote.

Submissions (2):

Blueprint Genetics
Classification: Likely benign. Last evaluated: 2023-05-04. Review status: criteria provided, single submitter. Criteria: ACMG Guidelines, 2015. Collection method: clinical testing. Allele origin: germline.

Laboratory for Molecular Medicine, Mass General Brigham Personalized Medicine
Classification: Likely benign. Last evaluated: 2016-10-13. Review status: criteria provided, single submitter. Criteria: LMM Criteria. Collection method: clinical testing. Allele origin: germline. Observed: 2 variant alleles.
Comment: p.Pro423Leu in exon 17A of TRIOBP: This variant is not expected to have clinical significance due to a lack of conservation across species, including mammals. Of note, >5 mammals have a leucine (Leu) at this position despite high nearby am ino acid conservation. In addition, computational prediction tools do not sugge st a high likelihood of impact to the protein. This variant has been identifie d in 0.1% (9/10336) of African chromosomes by the Exome Aggregation Consortium ( ExAC; dbSNP rs146823511).

NM_001039141.3(TRIOBP):c.6324+235C>T

Gene: TRIOBP (TRIO and F-actin binding protein; plus strand). Cytogenetic location: 22q13.1.
Variant type: single nucleotide variant.
Coding change: c.6324+235C>T on transcript NM_001039141.3 (MANE Select); 235 bases into the intron after coding-DNA position 6324, C replaced by T.
Molecular consequence: intron variant. On other transcripts: missense variant (1).
Genome position (GRCh38, 1-based): chr22:37,759,499, C>T. VCF-style: chr22-37759499-C-T. GRCh37 (hg19) VCF-style: chr22-38155506-C-T.
Other names: c.1268C>T, p.Pro423Leu (NM_138632.2); c.1185+235C>T (NM_007032.5); short protein forms P423L.
Identifiers: ClinVar variation 504694 (VCV000504694.6), dbSNP rs146823511, ClinGen allele CA10224984.
Genomic context (GRCh38, chr22:37,759,499, plus strand): 5'-CCGTTTTACAGACAAGGCCACTGAGCTCTGAGAGGTTATGTGACTTGCCCAAGGTCACCC[C>T]GCCTGCAGGTCTCAAAGGTGGGATTTGAGCGAGGGTCCGGCTGACTGCAGAGCCTGTGTG-3'